The following is an entry in ClinVar:

ClinVar aggregate classification (germline): Benign (0 of 4 stars; one submission).

Conditions:
CHEK1-related disorder. Also called: CHEK1-related condition.

Allele frequency attached by ClinVar (database versions not stated): ExAC 0.00009; gnomAD exomes 0.00049; gnomAD 0.00445; TOPMed 0.00504; 1000 Genomes Project 0.00599; 1000 Genomes Project 30x 0.00718.
gnomAD v4.1: 980 of 702,604 alleles (0.14%); highest among the groups gnomAD compares: African/African-American, 1.4%; 7 homozygotes.

Submission:

PreventionGenetics, part of Exact Sciences
Classification: Benign for CHEK1-related condition. Last evaluated: 2019-11-26. Review status: no assertion criteria provided. Collection method: clinical testing. Allele origin: germline.
Comment: This variant is classified as benign based on ACMG/AMP sequence variant interpretation guidelines (Richards et al. 2015 PMID: 25741868, with internal and published modifications).

NM_001114122.3(CHEK1):c.-209G>A

Genes: CHEK1 (checkpoint kinase 1; plus strand), LOC118567325 (uncharacterized LOC118567325; minus strand), LOC130007016 (ATAC-STARR-seq lymphoblastoid active region 5700; plus strand). Cytogenetic location: 11q24.2.
Variant type: single nucleotide variant.
Coding change: c.-209G>A on transcript NM_001114122.3 (MANE Select); 209 bases upstream of the start codon, G replaced by A.
Molecular consequence: 5 prime UTR variant. On other transcripts: non-coding transcript variant (2).
Genome position (GRCh38, 1-based): chr11:125,625,824, G>A. VCF-style: chr11-125625824-G-A. GRCh37 (hg19) VCF-style: chr11-125495719-G-A.
Other names: c.-209G>A (NM_001114121.2, NM_001244846.1); c.-288G>A (NM_001330427.2).
Identifiers: ClinVar variation 3052481 (VCV003052481.2), dbSNP rs73616024, ClinGen allele CA6349253.